The following is an entry in ClinVar:

ClinVar aggregate classification (germline): Benign/Likely benign. Review status: criteria provided, multiple submitters, no conflicts (2 of 4 stars). 8 submissions from 8 submitters: Benign (1); Likely benign (7). Last evaluated 2026-04-16.

Conditions:
DICER1-related disorder. Also called: DICER1-related condition.
DICER1-related tumor predisposition. Also called: DICER1 syndrome; DICER1-related pleuropulmonary blastoma cancer predisposition syndrome. Identifiers: Orphanet 284343, MedGen C3839822, MONDO:0100216.
Hereditary cancer-predisposing syndrome. Also called: Hereditary neoplastic syndrome; Tumor predisposition; Neoplastic Syndromes, Hereditary; Hereditary Cancer Syndrome. Identifiers: Orphanet 140162, MedGen C0027672, MeSH D009386, MONDO:0015356.

Allele frequency attached by ClinVar (database versions not stated): ExAC 0.00002; gnomAD 0.00002; gnomAD exomes 0.00002 and 0.00004; TOPMed 0.00002.
gnomAD v4.1: 65 of 1,614,030 alleles (0.004%); highest among the groups gnomAD compares: Non-Finnish European, 0.0053%; no homozygotes.

Submissions (8):

Myriad Genetics, Inc.
Classification: Benign for DICER1-related tumor predisposition. Last evaluated: 2026-04-16. Review status: criteria provided, single submitter. Criteria: Myriad Autosomal Dominant, Autosomal Recessive and X-Linked Classification Criteria (2023). Collection method: clinical testing. Allele origin: unknown.
Comment: This variant is considered benign. This variant is a silent/synonymous amino acid change and it is not expected to impact splicing.

Labcorp Genetics (formerly Invitae), Labcorp
Classification: Likely benign for DICER1-related tumor predisposition. Last evaluated: 2025-12-18. Review status: criteria provided, single submitter. Criteria: Invitae Variant Classification Sherloc (09022015). Collection method: clinical testing. Allele origin: germline.

CeGaT Center for Human Genetics Tuebingen
Classification: Likely benign. Last evaluated: 2025-03-01. Review status: criteria provided, single submitter. Criteria: CeGaT Center For Human Genetics Tuebingen Variant Classification Criteria Version 2. Collection method: clinical testing. Allele origin: germline. Affected: yes. Observed: 1 variant allele.
Comment: DICER1: BP4, BP7

Mayo Clinic Laboratories, Mayo Clinic
Classification: Likely benign. Last evaluated: 2025-02-07. Review status: criteria provided, single submitter. Criteria: ACMG Guidelines, 2015. Collection method: clinical testing. Allele origin: germline. Observed: 1 variant allele.
Comment: BP4, BP7

Hereditary Cancer Group, L’Institut d'Investigació Biomèdica de Bellvitge
Classification: Likely benign for Hereditary cancer-predisposing syndrome. Last evaluated: 2024-12-19. Review status: criteria provided, single submitter. Criteria: Hatton et al. (Hum Mutat. 2023). Collection method: clinical testing. Allele origin: germline. Inheritance: Autosomal dominant inheritance. Affected: yes.
Comment: the same text as in the submission from Mayo Clinic Laboratories, Mayo Clinic above.

PreventionGenetics, part of Exact Sciences
Classification: Likely benign for DICER1-related condition. Last evaluated: 2024-11-19. Review status: criteria provided, single submitter. Criteria: ACMG Guidelines, 2015. Collection method: clinical testing. Allele origin: germline.
Comment: This variant is classified as likely benign based on ACMG/AMP sequence variant interpretation guidelines (Richards et al. 2015 PMID: 25741868, with internal and published modifications).

Blueprint Genetics
Classification: Likely benign. Last evaluated: 2024-09-19. Review status: criteria provided, single submitter. Criteria: ACMG Guidelines, 2015. Collection method: clinical testing. Allele origin: germline.

Ambry Genetics
Classification: Likely benign for Hereditary cancer-predisposing syndrome. Last evaluated: 2018-06-27. Review status: criteria provided, single submitter. Criteria: Ambry Variant Classification Scheme 2023. Collection method: clinical testing. Allele origin: germline.

NM_177438.3(DICER1):c.2349T>C (p.Asp783=)

Gene: DICER1 (dicer 1, ribonuclease III; minus strand). Cytogenetic location: 14q32.13.
Variant type: single nucleotide variant.
Coding change: c.2349T>C on transcript NM_177438.3 (MANE Select); coding-DNA position 2349, T replaced by C.
Protein change: p.Asp783=; no amino-acid change (aspartic acid 783 retained).
Molecular consequence: synonymous variant.
Genome position (GRCh38, 1-based): chr14:95,108,411, A>G on the plus strand (T>C on the coding strand, the complement: DICER1 is on the minus strand). VCF-style: chr14-95108411-A-G. GRCh37 (hg19) VCF-style: chr14-95574748-A-G.
Other names: p.Asp783=; c.2349T>C, p.Asp783= (NM_001195573.1, NM_001271282.3, NM_001291628.2 and 1 more transcripts).
Identifiers: ClinVar variation 477100 (VCV000477100.28), dbSNP rs764003983, ClinGen allele CA7331253.